The following is an entry in ClinVar:

NM_018896.5(CACNA1G):c.2884A>G (p.Ile962Val)

Gene: CACNA1G (calcium voltage-gated channel subunit alpha1 G; plus strand). Cytogenetic location: 17q21.33.
Variant type: single nucleotide variant.
Coding change: c.2884A>G on transcript NM_018896.5 (MANE Select); coding-DNA position 2884, A replaced by G.
Protein change: p.Ile962Val; replaces isoleucine 962 with valine.
Molecular consequence: missense variant. On other transcripts: non-coding transcript variant (5).
Genome position (GRCh38, 1-based): chr17:50,592,066, A>G. VCF-style: chr17-50592066-A-G. GRCh37 (hg19) VCF-style: chr17-48669427-A-G.
Other names: c.2884A>G, p.Ile962Val (NM_001256324.2, NM_001256325.2, NM_001256326.2 and 24 more transcripts); short protein forms I962V.
Identifiers: ClinVar variation 1320387 (VCV001320387.2), dbSNP rs2044445593, ClinGen allele CA400250079.

ClinVar aggregate classification (germline): Uncertain significance (1 of 4 stars; one submission).

Allele frequency attached by ClinVar (database versions not stated): TOPMed below 0.00001; gnomAD 0.00001.

Submission:

GeneDx
Classification: Uncertain significance. Last evaluated: 2021-05-03. Review status: criteria provided, single submitter. Criteria: GeneDx Variant Classification Process June 2021. Collection method: clinical testing. Allele origin: germline. Affected: yes.
Comment: Not observed at significant frequency in large population cohorts (Lek et al., 2016); In silico analysis supports that this missense variant does not alter protein structure/function; Has not been previously published as pathogenic or benign to our knowledge